The following is an entry in ClinVar:

NM_080680.3(COL11A2):c.1180G>C (p.Gly394Arg)

Gene: COL11A2 (collagen type XI alpha 2 chain; minus strand). Cytogenetic location: 6p21.32.
Variant type: single nucleotide variant.
Coding change: c.1180G>C on transcript NM_080680.3 (MANE Select); coding-DNA position 1180, G replaced by C.
Protein change: p.Gly394Arg; replaces glycine 394 with arginine.
Molecular consequence: missense variant.
Genome position (GRCh38, 1-based): chr6:33,181,005, C>G on the plus strand (G>C on the coding strand, the complement: COL11A2 is on the minus strand). VCF-style: chr6-33181005-C-G. GRCh37 (hg19) VCF-style: chr6-33148782-C-G.
Other names: c.859G>C, p.Gly287Arg (NM_080679.3); c.922G>C, p.Gly308Arg (NM_080681.3); short protein forms G394R, G287R, G308R.
Identifiers: ClinVar variation 1900109 (VCV001900109.5), dbSNP rs2535332947, ClinGen allele CA363606504.

ClinVar aggregate classification (germline): Uncertain significance (1 of 4 stars; one submission).

Submission:

Labcorp Genetics (formerly Invitae), Labcorp
Classification: Uncertain significance. Last evaluated: 2022-03-01. Review status: criteria provided, single submitter. Criteria: Invitae Variant Classification Sherloc (09022015). Collection method: clinical testing. Allele origin: germline.
Comment: In summary, the available evidence is currently insufficient to determine the role of this variant in disease. Therefore, it has been classified as a Variant of Uncertain Significance. Algorithms developed to predict the effect of missense changes on protein structure and function (SIFT, PolyPhen-2, Align-GVGD) all suggest that this variant is likely to be disruptive. This variant has not been reported in the literature in individuals affected with COL11A2-related conditions. This variant is not present in population databases (gnomAD no frequency). This sequence change replaces glycine, which is neutral and non-polar, with arginine, which is basic and polar, at codon 394 of the COL11A2 protein (p.Gly394Arg).